The following is an entry in ClinVar:

NM_004104.5(FASN):c.679G>A (p.Gly227Ser)

Gene: FASN (fatty acid synthase; minus strand). Cytogenetic location: 17q25.3.
Variant type: single nucleotide variant.
Coding change: c.679G>A on transcript NM_004104.5 (MANE Select); coding-DNA position 679, G replaced by A.
Protein change: p.Gly227Ser; replaces glycine 227 with serine.
Molecular consequence: missense variant.
Genome position (GRCh38, 1-based): chr17:82,092,996, C>T on the plus strand (G>A on the coding strand, the complement: FASN is on the minus strand). VCF-style: chr17-82092996-C-T. GRCh37 (hg19) VCF-style: chr17-80050872-C-T.
Other names: short protein forms G227S.
Identifiers: ClinVar variation 4771944 (VCV004771944.1).
Genomic context (GRCh38, chr17:82,092,996, plus strand): 5'-GGATGGTGGCGTACACCCGCCGGGCCAGGGACTTCTTGGTCAGCAGGACGGCCACCACAC[C>T]CTCCGAGCGGCAGTACCCATTCCCTGGGTAGAGCAGCACCTCAGGCCCGGGGCTCAGCCC-3'
Protein context (NP_004095.4, residues 217-237): TAGNGYCRSE[Gly227Ser]VVAVLLTKKS

ClinVar aggregate classification (germline): Uncertain significance (1 of 4 stars; one submission).

Conditions:
Epileptic encephalopathy. Identifiers: MedGen C0543888, HP:0200134.

gnomAD v4.1: 4 of 1,612,254 alleles (0.00025%); highest among the groups gnomAD compares: Non-Finnish European, 0.00025%; no homozygotes.

Submission:

Labcorp Genetics (formerly Invitae), Labcorp
Classification: Uncertain significance for Epileptic encephalopathy. Last evaluated: 2025-08-30. Review status: criteria provided, single submitter. Criteria: Invitae Variant Classification Sherloc (09022015). Collection method: clinical testing. Allele origin: germline.
Comment: This sequence change replaces glycine, which is neutral and non-polar, with serine, which is neutral and polar, at codon 227 of the FASN protein (p.Gly227Ser). This variant is not present in population databases (gnomAD no frequency). This variant has not been reported in the literature in individuals affected with FASN-related conditions. An algorithm developed to predict the effect of missense changes on protein structure and function (PolyPhen-2) suggests that this variant is likely to be tolerated. In summary, the available evidence is currently insufficient to determine the role of this variant in disease. Therefore, it has been classified as a Variant of Uncertain Significance.